The following is an entry in ClinVar:

NM_001200.4(BMP2):c.43C>T (p.Gln15Ter)

Gene: BMP2 (bone morphogenetic protein 2; plus strand). Cytogenetic location: 20p12.3.
Variant type: single nucleotide variant.
Coding change: c.43C>T on transcript NM_001200.4 (MANE Select); coding-DNA position 43, C replaced by T.
Protein change: p.Gln15Ter; replaces glutamine 15 with a stop codon.
Molecular consequence: nonsense.
Genome position (GRCh38, 1-based): chr20:6,770,169, C>T. VCF-style: chr20-6770169-C-T. GRCh37 (hg19) VCF-style: chr20-6750816-C-T.
Other names: short protein forms Q15*.
Identifiers: ClinVar variation 620208 (VCV000620208.2), dbSNP rs1197846053, ClinGen allele CA408260126.
Genomic context (GRCh38, chr20:6,770,169, plus strand): 5'-CCTGTCCGCAGGTCGACCATGGTGGCCGGGACCCGCTGTCTTCTAGCGTTGCTGCTTCCC[C>T]AGGTCCTCCTGGGCGGCGCGGCTGGCCTCGTTCCGGAGCTGGGCCGCAGGAAGTTCGCGG-3'

ClinVar aggregate classification (germline): Pathogenic (1 of 4 stars; one submission).

Submission:

GeneDx
Classification: Pathogenic. Last evaluated: 2025-08-05. Review status: criteria provided, single submitter. Criteria: GeneDx Variant Classification Process June 2021. Collection method: clinical testing. Allele origin: germline. Affected: yes.
Comment: Nonsense variant predicted to result in protein truncation or nonsense mediated decay in a gene for which loss of function is a known mechanism of disease; Not observed at significant frequency in large population cohorts (gnomAD); Has not been previously published as pathogenic or benign to our knowledge